The following is an entry in ClinVar:

ClinVar aggregate classification (germline): Pathogenic (1 of 4 stars; one submission).

Conditions:
RPE65-related recessive retinopathy. Also called: Recessive RPE65 retinopathy. Identifiers: MedGen CN305526, MONDO:0100368.

Submission:

Myriad Genetics, Inc.
Classification: Pathogenic for RPE65-related recessive retinopathy. Last evaluated: 2024-05-14. Review status: criteria provided, single submitter. Criteria: Myriad Autosomal Dominant, Autosomal Recessive and X-Linked Classification Criteria (2023). Collection method: clinical testing. Allele origin: unknown.
Comment: NM_000329.2(RPE65):c.430dupT(Y144Lfs*13) is expected to be pathogenic in the context of inherited retinal dystrophy, RPE65-related. This variant is predicted to lead to an abnormal or absent protein product due to the creation of a premature termination codon in RPE65, a gene where loss-of-function variants are known to be pathogenic. Please note: this variant was assessed in the context of healthy population screening.

NM_000329.3(RPE65):c.430dup (p.Tyr144fs)

Gene: RPE65 (retinoid isomerohydrolase RPE65; minus strand). Cytogenetic location: 1p31.3.
Variant type: Duplication.
Coding change: c.430dup on transcript NM_000329.3 (MANE Select); coding-DNA position 430, one base duplicated (T; older notation c.430dupT).
Protein change: p.Tyr144fs; shifts the reading frame from tyrosine 144.
Molecular consequence: frameshift variant.
Genome position (GRCh38, 1-based): chr1:68,444,596, A duplicated on the plus strand (T on the coding strand, the reverse complement: RPE65 is on the minus strand). VCF-style (leftmost placement, unchanged base first): chr1-68444595-T-TA. GRCh37 (hg19) VCF-style: chr1-68910278-T-TA.
Other names: c.322dup, p.Tyr108fs (NM_001406853.1); c.154dup, p.Tyr52fs (NM_001406856.1, NM_001406857.1); c.430dup, p.Tyr144fs (NM_001406859.1, NM_001406860.1); short protein forms Y108fs, Y144fs, Y52fs.
Identifiers: ClinVar variation 5015105 (VCV005015105.1).
Genomic context (GRCh38, chr1:68,444,595, plus strand): 5'-TTAATTGTCTCCAAGGTCTCTGGATTAATCTTTGTAATAAAGTTGGTCTCTGTGCAAGCG[T>TA]AGTAATCTTCCCCCACTGGGTAGACATTAACAAGGGCATTGTCAGTAACCTCTACTCCTC-3'